The following is an entry in ClinVar:

NM_017950.4(CCDC40):c.2170G>A (p.Glu724Lys)

Gene: CCDC40 (coiled-coil domain 40 molecular ruler complex subunit; plus strand). Cytogenetic location: 17q25.3.
Variant type: single nucleotide variant.
Coding change: c.2170G>A on transcript NM_017950.4 (MANE Select); coding-DNA position 2170, G replaced by A.
Protein change: p.Glu724Lys; replaces glutamic acid 724 with lysine.
Molecular consequence: missense variant.
Genome position (GRCh38, 1-based): chr17:80,084,923, G>A. VCF-style: chr17-80084923-G-A. GRCh37 (hg19) VCF-style: chr17-78058722-G-A.
Other names: c.2170G>A (NM_017950.3); c.2170G>A, p.Glu724Lys (NM_001243342.2); short protein forms E724K.
Identifiers: ClinVar variation 2060938 (VCV002060938.3), dbSNP rs780935628, ClinGen allele CA8814123.

ClinVar aggregate classification (germline): Uncertain significance. Review status: criteria provided, multiple submitters, no conflicts (2 of 4 stars). 2 submissions from 2 submitters: Uncertain significance (2). Last evaluated 2026-01-08.

Conditions:
Primary ciliary dyskinesia. Also called: Ciliary dyskinesia. Identifiers: Orphanet 244, MedGen C0008780, MONDO:0016575, HP:0012265.

Allele frequency attached by ClinVar (database versions not stated): gnomAD exomes 0.00002; ExAC 0.00003; TOPMed 0.00003.
gnomAD v4.1: 33 of 1,613,916 alleles (0.002%); highest among the groups gnomAD compares: Admixed American, 0.0067%; no homozygotes.

Submissions (2):

Labcorp Genetics (formerly Invitae), Labcorp
Classification: Uncertain significance for Primary ciliary dyskinesia. Last evaluated: 2026-01-08. Review status: criteria provided, single submitter. Criteria: Invitae Variant Classification Sherloc (09022015). Collection method: clinical testing. Allele origin: germline.
Comment: This sequence change replaces glutamic acid, which is acidic and polar, with lysine, which is basic and polar, at codon 724 of the CCDC40 protein (p.Glu724Lys). This variant is present in population databases (rs780935628, gnomAD 0.005%). This variant has not been reported in the literature in individuals affected with CCDC40-related conditions. ClinVar contains an entry for this variant (Variation ID: 2060938). Invitae Evidence Modeling of protein sequence and biophysical properties (such as structural, functional, and spatial information, amino acid conservation, physicochemical variation, residue mobility, and thermodynamic stability) indicates that this missense variant is expected to disrupt CCDC40 protein function with a positive predictive value of 80%. In summary, the available evidence is currently insufficient to determine the role of this variant in disease. Therefore, it has been classified as a Variant of Uncertain Significance.

Ambry Genetics
Classification: Uncertain significance for Primary ciliary dyskinesia. Last evaluated: 2024-01-23. Review status: criteria provided, single submitter. Criteria: Ambry Variant Classification Scheme 2023. Collection method: clinical testing. Allele origin: germline.